The following is an entry in ClinVar:

ClinVar aggregate classification (germline): Uncertain significance (1 of 4 stars; one submission).

Conditions:
Nephronophthisis 15 (NPHP15). Identifiers: Orphanet 3156, MedGen C3541853, MONDO:0013917, OMIM 614845.

gnomAD v4.1: 3 of 1,613,406 alleles (0.00019%); highest among the groups gnomAD compares: Non-Finnish European, 0.00025%; no homozygotes.

Submission:

Labcorp Genetics (formerly Invitae), Labcorp
Classification: Uncertain significance for Nephronophthisis 15. Last evaluated: 2022-07-19. Review status: criteria provided, single submitter. Criteria: Invitae Variant Classification Sherloc (09022015). Collection method: clinical testing. Allele origin: germline.
Comment: In summary, the available evidence is currently insufficient to determine the role of this variant in disease. Therefore, it has been classified as a Variant of Uncertain Significance. Algorithms developed to predict the effect of missense changes on protein structure and function are either unavailable or do not agree on the potential impact of this missense change (SIFT: "Deleterious"; PolyPhen-2: "Benign"; Align-GVGD: "Class C15"). This variant has not been reported in the literature in individuals affected with CEP164-related conditions. This variant is not present in population databases (gnomAD no frequency). This sequence change replaces isoleucine, which is neutral and non-polar, with phenylalanine, which is neutral and non-polar, at codon 54 of the CEP164 protein (p.Ile54Phe).

NM_014956.5(CEP164):c.160A>T (p.Ile54Phe)

Gene: CEP164 (centrosomal protein 164; plus strand). Cytogenetic location: 11q23.3.
Variant type: single nucleotide variant.
Coding change: c.160A>T on transcript NM_014956.5 (MANE Select); coding-DNA position 160, A replaced by T.
Protein change: p.Ile54Phe; replaces isoleucine 54 with phenylalanine.
Molecular consequence: missense variant.
Genome position (GRCh38, 1-based): chr11:117,344,243, A>T. VCF-style: chr11-117344243-A-T. GRCh37 (hg19) VCF-style: chr11-117214959-A-T.
Other names: c.160A>T, p.Ile54Phe (NM_001271933.2); short protein forms I54F.
Identifiers: ClinVar variation 1719329 (VCV001719329.5), dbSNP rs1049220694, ClinGen allele CA382722476.